The following is an entry in ClinVar:

NM_133510.4(RAD51B):c.907A>C (p.Ser303Arg)

Gene: RAD51B (RAD51 paralog B; plus strand). Cytogenetic location: 14q24.1.
Variant type: single nucleotide variant.
Coding change: c.907A>C on transcript NM_133510.4 (MANE Select); coding-DNA position 907, A replaced by C.
Protein change: p.Ser303Arg; replaces serine 303 with arginine.
Molecular consequence: missense variant.
Genome position (GRCh38, 1-based): chr14:68,411,477, A>C. VCF-style: chr14-68411477-A-C. GRCh37 (hg19) VCF-style: chr14-68878194-A-C.
Other names: c.907A>C, p.Ser303Arg (NM_001321809.2, NM_001321810.2, NM_001321812.1 and 6 more transcripts); c.793A>C, p.Ser265Arg (NM_001321815.1); c.550A>C, p.Ser184Arg (NM_001321817.2); short protein forms S303R, S184R, S265R.
Identifiers: ClinVar variation 3786410 (VCV003786410.1).

ClinVar aggregate classification (germline): Uncertain significance (1 of 4 stars; one submission).

Submission:

Ambry Genetics
Classification: Uncertain significance. Last evaluated: 2025-01-08. Review status: criteria provided, single submitter. Criteria: Ambry Variant Classification Scheme 2023. Collection method: clinical testing. Allele origin: germline.
Comment: The p.S303R variant (also known as c.907A>C), located in coding exon 8 of the RAD51B gene, results from an A to C substitution at nucleotide position 907. The serine at codon 303 is replaced by arginine, an amino acid with dissimilar properties. This amino acid position is conserved. In addition, this alteration is predicted to be tolerated by in silico analysis. Based on the available evidence, the clinical significance of this variant remains unclear.